The following is an entry in ClinVar:

ClinVar aggregate classification (germline): Conflicting classifications of pathogenicity. Review status: criteria provided, conflicting classifications (1 of 4 stars). 2 submissions from 2 submitters: Uncertain significance (1); Likely benign (1). Last evaluated 2026-08-12.

Conditions:
Hereditary cancer-predisposing syndrome. Also called: Hereditary Cancer Syndrome; Hereditary neoplastic syndrome; Neoplastic Syndromes, Hereditary; Tumor predisposition. Identifiers: Orphanet 140162, MedGen C0027672, MeSH D009386, MONDO:0015356.
Familial adenomatous polyposis 2. Also called: COLORECTAL ADENOMATOUS POLYPOSIS, AUTOSOMAL RECESSIVE; ADENOMAS, MULTIPLE COLORECTAL, AUTOSOMAL RECESSIVE; MUTYH-associated polyposis; MUTYH-related attenuated familial adenomatous polyposis; MYH-associated polyposis; MUTYH Polyposis. Identifiers: Orphanet 220460, Orphanet 247798, MedGen C3272841, MONDO:0012041, OMIM 608456.

Allele frequency attached by ClinVar (database versions not stated): gnomAD exomes below 0.00001.

Submissions (2):

Ambry Genetics
Classification: Likely benign for Hereditary cancer-predisposing syndrome. Last evaluated: 2026-08-12. Review status: criteria provided, single submitter. Criteria: Ambry Variant Classification Scheme 2023. Collection method: clinical testing. Allele origin: germline.

Labcorp Genetics (formerly Invitae), Labcorp
Classification: Uncertain significance for Familial adenomatous polyposis 2. Last evaluated: 2022-10-21. Review status: criteria provided, single submitter. Criteria: Invitae Variant Classification Sherloc (09022015). Collection method: clinical testing. Allele origin: germline.
Comment: This sequence change replaces methionine, which is neutral and non-polar, with isoleucine, which is neutral and non-polar, at codon 57 of the MUTYH protein (p.Met57Ile). This variant is not present in population databases (gnomAD no frequency). This variant has not been reported in the literature in individuals affected with MUTYH-related conditions. Algorithms developed to predict the effect of missense changes on protein structure and function (SIFT, PolyPhen-2, Align-GVGD) all suggest that this variant is likely to be tolerated. In summary, the available evidence is currently insufficient to determine the role of this variant in disease. Therefore, it has been classified as a Variant of Uncertain Significance.

NM_001128425.2(MUTYH):c.171G>T (p.Met57Ile)

Gene: MUTYH (mutY DNA glycosylase; minus strand). Cytogenetic location: 1p34.1.
Variant type: single nucleotide variant.
Coding change: c.171G>T on transcript NM_001128425.2 (MANE Plus Clinical); coding-DNA position 171, G replaced by T.
Protein change: p.Met57Ile; replaces methionine 57 with isoleucine.
Molecular consequence: missense variant. On other transcripts: intron variant (10).
Genome position (GRCh38, 1-based): chr1:45,333,590, C>A on the plus strand (G>T on the coding strand, the complement: MUTYH is on the minus strand). VCF-style: chr1-45333590-C-A. GRCh37 (hg19) VCF-style: chr1-45799262-C-A.
Other names: c.120G>T, p.Met40Ile (NM_001293191.2, NM_001407077.1); c.162G>T, p.Met54Ile (NM_001407069.1, NM_012222.3); c.3G>T, p.Met1Ile (NM_001407075.1); c.129G>T, p.Met43Ile (NM_001407083.1, NM_001407085.1); c.-92-93G>T (NM_001350651.2); c.-97-93G>T (NM_001293192.2, NM_001293196.2); c.-156-29G>T (NM_001350650.2); c.116-29G>T (NM_001048171.2, NM_001048173.2, NM_001048174.2 and 1 more transcripts); and 2 more; short protein forms M43I, M54I, M1I, M40I, M57I.
Identifiers: ClinVar variation 1778734 (VCV001778734.9), dbSNP rs2524291407, ClinGen allele CA340136820.